The following is an entry in ClinVar:

NM_002303.6(LEPR):c.3303G>A (p.Ser1101=)

Gene: LEPR (leptin receptor; plus strand). Cytogenetic location: 1p31.3.
Variant type: single nucleotide variant.
Coding change: c.3303G>A on transcript NM_002303.6 (MANE Select); coding-DNA position 3303, G replaced by A.
Protein change: p.Ser1101=; no amino-acid change (serine 1101 retained).
Molecular consequence: synonymous variant.
Genome position (GRCh38, 1-based): chr1:65,636,820, G>A. VCF-style: chr1-65636820-G-A. GRCh37 (hg19) VCF-style: chr1-66102503-G-A.
Identifiers: ClinVar variation 4281157 (VCV004281157.7).

ClinVar aggregate classification (germline): Likely benign (1 of 4 stars; one submission).

gnomAD v4.1: 22 of 1,613,708 alleles (0.0014%); highest among the groups gnomAD compares: African/African-American, 0.0067%; no homozygotes.

Submission:

CeGaT Center for Human Genetics Tuebingen
Classification: Likely benign. Last evaluated: 2025-09-01. Review status: criteria provided, single submitter. Criteria: CeGaT Center For Human Genetics Tuebingen Variant Classification Criteria Version 2. Collection method: clinical testing. Allele origin: germline. Affected: yes. Observed: 1 variant allele.
Comment: LEPR: BP4, BP7